The following is an entry in ClinVar:

GRCh38/hg38 10q26.2-26.3(chr10:127640489-132776585)x1

Genes: AS-PTPRE (lncRNA antisense to PTPRE protein-coding gene; minus strand), BNIP3 (BCL2 interacting protein 3; minus strand), C10orf143 (chromosome 10 open reading frame 143; minus strand), CLRN3 (clarin 3; minus strand), DPYSL4 (dihydropyrimidinase like 4; plus strand) and 121 more. Cytogenetic location: 10q26.2-26.3.
Variant type: copy number loss.
Change: copy number 1 (one copy instead of two) of chr10:127,640,489-132,776,585 (5.14 Mb, GRCh38 coordinates, 1-based), cytogenetic band 10q26.2-26.3.
Identifiers: ClinVar variation 146431 (VCV000146431.3).

ClinVar aggregate classification (germline): Pathogenic (0 of 4 stars; one submission).

Submission:

ISCA site 1
Classification: Pathogenic. Last evaluated: 2011-05-06. Review status: no assertion criteria provided. Collection method: clinical testing. Allele origin: de novo. Affected: yes. Observed: 1 variant allele.
Comment: Copy number variation identified through the course of routine clinical cytogenomic testing in postnatal populations. Clinical assertions have been curated as described in Kaminsky et al. 2011.

Copy number variation identified through the course of routine clinical cytogenomic testing in postnatal populations. Clinical assertions have been curated as described in Kaminsky, et al. 2011 (PubMed 21844811). For additional ClinGen data, please see nstd37.